The following is an entry in ClinVar:

NM_001308093.3(GATA4):c.586G>C (p.Ala196Pro)

Gene: GATA4 (GATA binding protein 4). Cytogenetic location: 8p23.1.
Variant type: single nucleotide variant.
Coding change: c.586G>C on transcript NM_001308093.3 (MANE Select); coding-DNA position 586, G replaced by C.
Protein change: p.Ala196Pro; replaces alanine 196 with proline.
Molecular consequence: missense variant. On other transcripts: intron variant (3).
Genome position (GRCh38, 1-based): chr8:11,708,898, G>C. VCF-style: chr8-11708898-G-C. GRCh37 (hg19) VCF-style: chr8-11566407-G-C.
Other names: c.586G>C, p.Ala196Pro (NM_002052.5); c.-6+8120G>C (NM_001308094.2); c.-3+884G>C (NM_001374274.1); c.-3+4594G>C (NM_001374273.1); short protein forms A196P.
Identifiers: ClinVar variation 2053660 (VCV002053660.4), dbSNP rs1371654056, ClinGen allele CA370309937.

ClinVar aggregate classification (germline): Uncertain significance (1 of 4 stars; one submission).

Conditions:
Atrioventricular septal defect 4 (AVSD4). Identifiers: MedGen C3280781, MONDO:0013747, OMIM 614430.

gnomAD v4.1: 3 of 1,527,920 alleles (0.0002%); highest among the groups gnomAD compares: Non-Finnish European, 0.00026%; no homozygotes.

Submission:

Labcorp Genetics (formerly Invitae), Labcorp
Classification: Uncertain significance for Atrioventricular septal defect 4. Last evaluated: 2022-03-11. Review status: criteria provided, single submitter. Criteria: Invitae Variant Classification Sherloc (09022015). Collection method: clinical testing. Allele origin: germline.
Comment: In summary, the available evidence is currently insufficient to determine the role of this variant in disease. Therefore, it has been classified as a Variant of Uncertain Significance. Algorithms developed to predict the effect of missense changes on protein structure and function (SIFT, PolyPhen-2, Align-GVGD) all suggest that this variant is likely to be tolerated. This variant has not been reported in the literature in individuals affected with GATA4-related conditions. This variant is not present in population databases (gnomAD no frequency). This sequence change replaces alanine, which is neutral and non-polar, with proline, which is neutral and non-polar, at codon 196 of the GATA4 protein (p.Ala196Pro).